The following is an entry in ClinVar:

NM_001384900.1(SEMA3D):c.338G>A (p.Arg113Gln)

Gene: SEMA3D (semaphorin 3D; minus strand). Cytogenetic location: 7q21.11.
Variant type: single nucleotide variant.
Coding change: c.338G>A on transcript NM_001384900.1 (MANE Select); coding-DNA position 338, G replaced by A.
Protein change: p.Arg113Gln; replaces arginine 113 with glutamine.
Molecular consequence: missense variant.
Genome position (GRCh38, 1-based): chr7:85,081,554, C>T on the plus strand (G>A on the coding strand, the complement: SEMA3D is on the minus strand). VCF-style: chr7-85081554-C-T. GRCh37 (hg19) VCF-style: chr7-84710870-C-T.
Other names: c.338G>A, p.Arg113Gln (NM_001384901.1, NM_001384902.1, NM_001384903.1 and 1 more transcripts); short protein forms R113Q.
Identifiers: ClinVar variation 2635818 (VCV002635818.2), dbSNP rs201113218, ClinGen allele CA4323777.
Genomic context (GRCh38, chr7:85,081,554, plus strand): 5'-AATTGTTACAGTTTCATACTTACATTGGCATCTTTCCCAGCTAATTTACATAATTCCACC[C>T]GTTCCTTTGCAGCAGGCCAATAAATCTGCAAAACATTTCAAAGTATGTTACAACCTGAAT-3'
Protein context (NP_001371829.1, residues 103-123): KKIYWPAAKE[Arg113Gln]VELCKLAGKD

ClinVar aggregate classification (germline): Uncertain significance (1 of 4 stars; one submission).

Conditions:
SEMA3D-related disorder. Also called: SEMA3D-related condition.

Allele frequency attached by ClinVar (database versions not stated): ExAC 0.00002; gnomAD exomes 0.00003; TOPMed 0.00003; gnomAD 0.00004; 1000 Genomes Project 0.00020; 1000 Genomes Project 30x 0.00031.
gnomAD v4.1: 52 of 1,612,046 alleles (0.0032%); highest among the groups gnomAD compares: African/African-American, 0.004%; no homozygotes.

Submission:

PreventionGenetics, part of Exact Sciences
Classification: Uncertain significance for SEMA3D-related condition. Last evaluated: 2026-07-15. Review status: criteria provided, single submitter. Criteria: ACMG Guidelines, 2015. Collection method: clinical testing. Allele origin: germline.
Comment: The SEMA3D c.338G>A variant is predicted to result in the amino acid substitution p.Arg113Gln. To our knowledge, this variant has not been reported in the literature. This variant is reported in 0.0050% of alleles in individuals of East Asian descent in gnomAD. At this time, the clinical significance of this variant is uncertain due to the absence of conclusive functional and genetic evidence.